The following is an entry in ClinVar:

ClinVar aggregate classification (germline): Uncertain significance (1 of 4 stars; one submission).

Submission:

GeneDx
Classification: Uncertain significance. Last evaluated: 2024-04-26. Review status: criteria provided, single submitter. Criteria: GeneDx Variant Classification Process June 2021. Collection method: clinical testing. Allele origin: germline. Affected: yes.
Comment: Has not been previously published as pathogenic or benign to our knowledge; Not observed at significant frequency in large population cohorts (gnomAD); In silico analysis indicates that this missense variant does not alter protein structure/function

NM_001127222.2(CACNA1A):c.3521G>T (p.Cys1174Phe)

Gene: CACNA1A (calcium voltage-gated channel subunit alpha1 A; minus strand). Cytogenetic location: 19p13.13.
Variant type: single nucleotide variant.
Coding change: c.3521G>T on transcript NM_001127222.2 (MANE Select); coding-DNA position 3521, G replaced by T.
Protein change: p.Cys1174Phe; replaces cysteine 1174 with phenylalanine.
Molecular consequence: missense variant.
Genome position (GRCh38, 1-based): chr19:13,286,535, C>A on the plus strand (G>T on the coding strand, the complement: CACNA1A is on the minus strand). VCF-style: chr19-13286535-C-A. GRCh37 (hg19) VCF-style: chr19-13397349-C-A.
Other names: c.3533G>T, p.Cys1178Phe (NM_000068.4, NM_023035.3); c.3524G>T, p.Cys1175Phe (NM_001127221.2, NM_001174080.2); short protein forms C1174F, C1175F, C1178F.
Identifiers: ClinVar variation 3373092 (VCV003373092.1).
Genomic context (GRCh38, chr19:13,286,535, plus strand): 5'-CCAGTGATGTGAGAGCAGAGGGTCTCACCTTGTACGACGGTGTGGTTGAGGGGGGGTGGG[C>A]AGGCTGGGGGGATGTCCACTGTGGTGTGGTCGGGTTTCCTGGCAGTCTTAGCTGAATTGG-3'
Protein context (NP_001120694.1, residues 1164-1184): DHTTVDIPPA[Cys1174Phe]PPPLNHTVVQ